The following is an entry in ClinVar:

NM_080473.5(GATA5):c.259C>T (p.Pro87Ser)

Gene: GATA5 (GATA binding protein 5; minus strand). Cytogenetic location: 20q13.33.
Variant type: single nucleotide variant.
Coding change: c.259C>T on transcript NM_080473.5 (MANE Select); coding-DNA position 259, C replaced by T.
Protein change: p.Pro87Ser; replaces proline 87 with serine.
Molecular consequence: missense variant.
Genome position (GRCh38, 1-based): chr20:62,475,263, G>A on the plus strand (C>T on the coding strand, the complement: GATA5 is on the minus strand). VCF-style: chr20-62475263-G-A. GRCh37 (hg19) VCF-style: chr20-61050319-G-A.
Other names: short protein forms P87S.
Identifiers: ClinVar variation 4693605 (VCV004693605.1).

ClinVar aggregate classification (germline): Uncertain significance (1 of 4 stars; one submission).

Submission:

Labcorp Genetics (formerly Invitae), Labcorp
Classification: Uncertain significance. Last evaluated: 2025-07-23. Review status: criteria provided, single submitter. Criteria: Invitae Variant Classification Sherloc (09022015). Collection method: clinical testing. Allele origin: germline.
Comment: This sequence change replaces proline, which is neutral and non-polar, with serine, which is neutral and polar, at codon 87 of the GATA5 protein (p.Pro87Ser). This variant is not present in population databases (gnomAD no frequency). This variant has not been reported in the literature in individuals affected with GATA5-related conditions. Invitae Evidence Modeling of protein sequence and biophysical properties (such as structural, functional, and spatial information, amino acid conservation, physicochemical variation, residue mobility, and thermodynamic stability) indicates that this missense variant is not expected to disrupt GATA5 protein function with a negative predictive value of 80%. In summary, the available evidence is currently insufficient to determine the role of this variant in disease. Therefore, it has been classified as a Variant of Uncertain Significance.